The following is an entry in ClinVar:

NM_004336.5(BUB1):c.2785T>G (p.Phe929Val)

Gene: BUB1 (BUB1 mitotic checkpoint serine/threonine kinase; minus strand). Cytogenetic location: 2q13.
Variant type: single nucleotide variant.
Coding change: c.2785T>G on transcript NM_004336.5 (MANE Select); coding-DNA position 2785, T replaced by G.
Protein change: p.Phe929Val; replaces phenylalanine 929 with valine.
Molecular consequence: missense variant. On other transcripts: intron variant (1).
Genome position (GRCh38, 1-based): chr2:110,641,204, A>C on the plus strand (T>G on the coding strand, the complement: BUB1 is on the minus strand). VCF-style: chr2-110641204-A-C. GRCh37 (hg19) VCF-style: chr2-111398781-A-C.
Other names: c.2725T>G, p.Phe909Val (NM_001278616.2); c.2626-12T>G (NM_001278617.2); short protein forms F909V, F929V.
Identifiers: ClinVar variation 1795978 (VCV001795978.2), dbSNP rs2467970653, ClinGen allele CA348089309.

ClinVar aggregate classification (germline): Uncertain significance (1 of 4 stars; one submission).

Submission:

Ambry Genetics
Classification: Uncertain significance. Last evaluated: 2022-03-01. Review status: criteria provided, single submitter. Criteria: Ambry Variant Classification Scheme 2023. Collection method: clinical testing. Allele origin: germline.
Comment: The p.F929V variant (also known as c.2785T>G), located in coding exon 23 of the BUB1 gene, results from a T to G substitution at nucleotide position 2785. The phenylalanine at codon 929 is replaced by valine, an amino acid with highly similar properties. This amino acid position is conserved. In addition, this alteration is predicted to be tolerated by in silico analysis. Since supporting evidence is limited at this time, the clinical significance of this alteration remains unclear.